The following is an entry in ClinVar:

ClinVar aggregate classification (germline): Uncertain significance (1 of 4 stars; one submission).

Conditions:
Neurometabolic disorder due to serine deficiency. Identifiers: Orphanet 35705, MedGen C5680148, MONDO:0018162.

gnomAD v4.1: 1 of 1,614,082 alleles (0.000062%); highest among the groups gnomAD compares: African/African-American, 0.0013%; no homozygotes.

Submission:

Myriad Genetics, Inc.
Classification: Uncertain significance for Neurometabolic disorder due to serine deficiency. Last evaluated: 2026-03-04. Review status: criteria provided, single submitter. Criteria: Myriad Autosomal Dominant, Autosomal Recessive and X-Linked Classification Criteria (2023). Collection method: clinical testing. Allele origin: unknown.
Comment: NM_006623.3(PHGDH):c.164C>T(S55F) is a missense variant classified as a variant of uncertain significance in the context of serine deficiency disorder, PHGDH-related. S55F has been observed in a case with relevant disease (PMID: 28440900). Relevant functional assessments of this variant are not available in the literature. S55F has not been observed in referenced population frequency databases. In summary, there is insufficient evidence to classify NM_006623.3(PHGDH):c.164C>T(S55F) as pathogenic or benign. Please note: this variant was assessed in the context of healthy population screening.

Literature cited by the submitters: PubMed 28440900.

NM_006623.4(PHGDH):c.164C>T (p.Ser55Phe)

Gene: PHGDH (phosphoglycerate dehydrogenase; plus strand). Cytogenetic location: 1p12.
Variant type: single nucleotide variant.
Coding change: c.164C>T on transcript NM_006623.4 (MANE Select); coding-DNA position 164, C replaced by T.
Protein change: p.Ser55Phe; replaces serine 55 with phenylalanine.
Molecular consequence: missense variant.
Genome position (GRCh38, 1-based): chr1:119,721,195, C>T. VCF-style: chr1-119721195-C-T. GRCh37 (hg19) VCF-style: chr1-120263818-C-T.
Other names: short protein forms S55F.
Identifiers: ClinVar variation 5003489 (VCV005003489.1).